The following is an entry in ClinVar:

ClinVar aggregate classification (germline): Uncertain significance (1 of 4 stars; one submission).

Conditions:
Charcot-Marie-Tooth disease axonal type 2O. Also called: CHARCOT-MARIE-TOOTH NEUROPATHY, AXONAL, TYPE 2O; CHARCOT-MARIE-TOOTH DISEASE, AXONAL, AUTOSOMAL DOMINANT, TYPE 2O; Charcot-Marie-Tooth Neuropathy Type 2O; Charcot-Marie-Tooth disease, axonal, type 20. Identifiers: Orphanet 284232, MedGen C3280220, MONDO:0013644, OMIM 614228.

gnomAD v4.1: 4 of 1,598,764 alleles (0.00025%); highest among the groups gnomAD compares: Non-Finnish European, 0.00034%; no homozygotes.

Submission:

Labcorp Genetics (formerly Invitae), Labcorp
Classification: Uncertain significance for Charcot-Marie-Tooth disease axonal type 2O. Last evaluated: 2025-07-30. Review status: criteria provided, single submitter. Criteria: Invitae Variant Classification Sherloc (09022015). Collection method: clinical testing. Allele origin: germline.
Comment: This sequence change replaces valine, which is neutral and non-polar, with glycine, which is neutral and non-polar, at codon 21 of the DYNC1H1 protein (p.Val21Gly). This variant is not present in population databases (gnomAD no frequency). This variant has not been reported in the literature in individuals affected with DYNC1H1-related conditions. Invitae Evidence Modeling of protein sequence and biophysical properties (such as structural, functional, and spatial information, amino acid conservation, physicochemical variation, residue mobility, and thermodynamic stability) indicates that this missense variant is not expected to disrupt DYNC1H1 protein function with a negative predictive value of 95%. In summary, the available evidence is currently insufficient to determine the role of this variant in disease. Therefore, it has been classified as a Variant of Uncertain Significance.

NM_001376.5(DYNC1H1):c.62T>G (p.Val21Gly)

Gene: DYNC1H1 (dynein cytoplasmic 1 heavy chain 1; plus strand). Cytogenetic location: 14q32.31.
Variant type: single nucleotide variant.
Coding change: c.62T>G on transcript NM_001376.5 (MANE Select); coding-DNA position 62, T replaced by G.
Protein change: p.Val21Gly; replaces valine 21 with glycine.
Molecular consequence: missense variant.
Genome position (GRCh38, 1-based): chr14:101,964,753, T>G. VCF-style: chr14-101964753-T-G. GRCh37 (hg19) VCF-style: chr14-102431090-T-G.
Other names: short protein forms V21G.
Identifiers: ClinVar variation 4697421 (VCV004697421.1).